The following is an entry in ClinVar:

ClinVar aggregate classification (germline): Uncertain significance (1 of 4 stars; one submission).

Conditions:
Cardiovascular phenotype. Identifiers: MedGen CN230736.

gnomAD v4.1: 1 of 1,613,810 alleles (0.000062%); highest among the groups gnomAD compares: Non-Finnish European, 0.000085%; no homozygotes.

Submission:

Ambry Genetics
Classification: Uncertain significance for Cardiovascular phenotype. Last evaluated: 2026-01-12. Review status: criteria provided, single submitter. Criteria: Ambry Variant Classification Scheme 2023. Collection method: clinical testing. Allele origin: germline.
Comment: The p.K12E variant (also known as c.34A>G), located in coding exon 1 of the JUP gene, results from an A to G substitution at nucleotide position 34. The lysine at codon 12 is replaced by glutamic acid, an amino acid with similar properties. This amino acid position is conserved. In addition, the in silico prediction for this alteration is inconclusive. Based on the available evidence, the clinical significance of this variant remains unclear.

NM_002230.4(JUP):c.34A>G (p.Lys12Glu)

Gene: JUP (junction plakoglobin; minus strand). Cytogenetic location: 17q21.2.
Variant type: single nucleotide variant.
Coding change: c.34A>G on transcript NM_002230.4 (MANE Select); coding-DNA position 34, A replaced by G.
Protein change: p.Lys12Glu; replaces lysine 12 with glutamic acid.
Molecular consequence: missense variant.
Genome position (GRCh38, 1-based): chr17:41,771,821, T>C on the plus strand (A>G on the coding strand, the complement: JUP is on the minus strand). VCF-style: chr17-41771821-T-C. GRCh37 (hg19) VCF-style: chr17-39928073-T-C.
Other names: c.34A>G, p.Lys12Glu (NM_001352773.2, NM_001352774.2, NM_001352775.2 and 3 more transcripts); short protein forms K12E.
Identifiers: ClinVar variation 4089575 (VCV004089575.2).